The following is an entry in ClinVar:

NM_001035.3(RYR2):c.11962+1_11962+4dup

Gene: RYR2 (ryanodine receptor 2; plus strand). Cytogenetic location: 1q43.
Variant type: Duplication.
Coding change: c.11962+1_11962+4dup on transcript NM_001035.3 (MANE Select); the canonical splice donor site of the intron after coding-DNA position 11962 through 4 bases into the intron after coding-DNA position 11962, 4 bases duplicated (GTAG; older notation c.11962+1_11962+4dupGTAG).
Molecular consequence: splice donor variant.
Genome position (GRCh38, 1-based): chr1:237,781,647-237,781,650, GTAG duplicated; duplicating any 4 consecutive bases within chr1:237,781,645-237,781,650 gives the same sequence; the c. name uses the placement nearest the transcript's 3' end. VCF-style (leftmost placement, unchanged base first): chr1-237781644-A-AAGGT. GRCh37 (hg19) VCF-style: chr1-237944944-A-AAGGT.
Identifiers: ClinVar variation 1051030 (VCV001051030.46), dbSNP rs2149345025, ClinGen allele CA2499214593.

ClinVar aggregate classification (germline): Uncertain significance (1 of 4 stars; one submission).

Conditions:
Catecholaminergic polymorphic ventricular tachycardia 1. Also called: VENTRICULAR TACHYCARDIA, STRESS-INDUCED POLYMORPHIC 1; VENTRICULAR TACHYCARDIA, CATECHOLAMINERGIC POLYMORPHIC, 1, WITH OR WITHOUT ATRIAL DYSFUNCTION AND/OR DILATED CARDIOMYOPATHY; RYR2-Related Catecholaminergic Polymorphic Ventricular Tachycardia. Identifiers: Orphanet 3286, MedGen C1631597, MONDO:0011484, OMIM 604772.

Submission:

Labcorp Genetics (formerly Invitae), Labcorp
Classification: Uncertain significance for Catecholaminergic polymorphic ventricular tachycardia 1. Last evaluated: 2026-01-27. Review status: criteria provided, single submitter. Criteria: Invitae Variant Classification Sherloc (09022015). Collection method: clinical testing. Allele origin: germline.
Comment: This sequence change falls in intron 89 of the RYR2 gene. It does not directly change the encoded amino acid sequence of the RYR2 protein. It affects a nucleotide within the consensus splice site. This variant is not present in population databases (gnomAD no frequency). This variant has not been reported in the literature in individuals affected with RYR2-related conditions. ClinVar contains an entry for this variant (Variation ID: 1051030). Variants that disrupt the consensus splice site are a relatively common cause of aberrant splicing (PMID: 17576681, 9536098). Algorithms developed to predict the effect of sequence changes on RNA splicing suggest that this variant may disrupt the consensus splice site. In summary, the available evidence is currently insufficient to determine the role of this variant in disease. Therefore, it has been classified as a Variant of Uncertain Significance.

Literature cited by the submitters: PubMed 17576681; PubMed 9536098.